The following is an entry in ClinVar:

ClinVar aggregate classification (germline): Uncertain significance (1 of 4 stars; one submission).

Conditions:
Treacher Collins syndrome 1 (TCS1). Also called: TCOF1-Related Treacher Collins Syndrome. Identifiers: Orphanet 861, MedGen CN315775, MONDO:0007944, OMIM 154500.

Allele frequency attached by ClinVar (database versions not stated): gnomAD 0.00001; gnomAD exomes 0.00002; TOPMed 0.00002; ExAC 0.00003; ESP Exome Variant Server 0.00008.
gnomAD v4.1: 26 of 1,612,546 alleles (0.0016%); highest among the groups gnomAD compares: South Asian, 0.012%; no homozygotes.

Submission:

Labcorp Genetics (formerly Invitae), Labcorp
Classification: Uncertain significance for Treacher Collins syndrome 1. Last evaluated: 2025-10-03. Review status: criteria provided, single submitter. Criteria: Invitae Variant Classification Sherloc (09022015). Collection method: clinical testing. Allele origin: germline.
Comment: This sequence change replaces alanine, which is neutral and non-polar, with serine, which is neutral and polar, at codon 1395 of the TCOF1 protein (p.Ala1395Ser). This variant is present in population databases (rs371540388, gnomAD 0.02%). This variant has not been reported in the literature in individuals affected with TCOF1-related conditions. This missense change has been observed in at least one individual who was not affected with TCOF1-related conditions (internal data). ClinVar contains an entry for this variant (Variation ID: 2817375). An algorithm developed to predict the effect of missense changes on protein structure and function (PolyPhen-2) suggests that this variant is likely to be disruptive. In summary, the available evidence is currently insufficient to determine the role of this variant in disease. Therefore, it has been classified as a Variant of Uncertain Significance.

NM_001371623.1(TCOF1):c.4186G>T (p.Ala1396Ser)

Gene: TCOF1 (treacle ribosome biogenesis factor 1; plus strand). Cytogenetic location: 5q32.
Variant type: single nucleotide variant.
Coding change: c.4186G>T on transcript NM_001371623.1 (MANE Select); coding-DNA position 4186, G replaced by T.
Protein change: p.Ala1396Ser; replaces alanine 1396 with serine.
Molecular consequence: missense variant.
Genome position (GRCh38, 1-based): chr5:150,396,683, G>T. VCF-style: chr5-150396683-G-T. GRCh37 (hg19) VCF-style: chr5-149776246-G-T.
Other names: c.3952G>T, p.Ala1318Ser (NM_000356.4); c.4183G>T, p.Ala1395Ser (NM_001135243.2); c.4072G>T, p.Ala1358Ser (NM_001135244.2); c.3955G>T, p.Ala1319Ser (NM_001135245.2); c.4069G>T, p.Ala1357Ser (NM_001195141.2); short protein forms A1319S, A1396S, A1358S, A1395S, A1318S, A1357S.
Identifiers: ClinVar variation 2817375 (VCV002817375.3), dbSNP rs371540388, ClinGen allele CA3511684.
Genomic context (GRCh38, chr5:150,396,683, plus strand): 5'-GCCTCTGTTTCCCCAGAAAAGACCTCCACGACTTCCAAGGGGAAAGCAAAGAGAGACAAA[G>T]CAAGTGGTGATGTCAAGGAGAAGAAAGGGAAGGGGTCTCTTGGCTCCCAAGGGGCCAAGG-3'
Protein context (NP_001358552.1, residues 1386-1406): TSKGKAKRDK[Ala1396Ser]SGDVKEKKGK